The following is an entry in ClinVar:

NM_004369.4(COL6A3):c.6309_6309+1del

Genes: COL6A3 (collagen type VI alpha 3 chain; minus strand), LOC122889011 (Sharpr-MPRA regulatory region 1020; plus strand). Cytogenetic location: 2q37.3.
Variant type: Deletion.
Coding change: c.6309_6309+1del on transcript NM_004369.4 (MANE Select); coding-DNA position 6309 through the canonical splice donor site of the intron after coding-DNA position 6309, 2 bases deleted (GG; older notation c.6309_6309+1delGG).
Molecular consequence: splice donor variant.
Genome position (GRCh38, 1-based): chr2:237,359,361-237,359,362, CC deleted on the plus strand (GG on the coding strand, the reverse complement: COL6A3 is on the minus strand). VCF-style (leftmost placement, unchanged base first): chr2-237359360-ACC-A. GRCh37 (hg19) VCF-style: chr2-238268003-ACC-A.
Other names: c.4488_4488+1del (NM_057166.5); c.5691_5691+1del (NM_057167.4).
Identifiers: ClinVar variation 860728 (VCV000860728.8), dbSNP rs2077385886, ClinGen allele CA916081405.

ClinVar aggregate classification (germline): Pathogenic (1 of 4 stars; one submission).

Conditions:
Bethlem myopathy 1A. Also called: MYOPATHY, BENIGN CONGENITAL, WITH CONTRACTURES; Bethlem myopathy 1; Bethlem Muscular Dystrophy. Identifiers: Orphanet 610, MedGen CN029274, MONDO:0024530, OMIM 158810.

Submission:

Labcorp Genetics (formerly Invitae), Labcorp
Classification: Pathogenic for Bethlem myopathy 1A. Last evaluated: 2020-02-04. Review status: criteria provided, single submitter. Criteria: Invitae Variant Classification Sherloc (09022015). Collection method: clinical testing. Allele origin: germline.
Comment: Donor and acceptor splice site variants typically lead to a loss of protein function (PMID: 16199547), and loss-of-function variants in COL6A3 are known to be pathogenic (PMID: 21280092, 20976770). In addition, donor and acceptor splice site variants in COL6A3 that result in in-frame exon skipping have also been reported to cause autosomal dominant COL6A3-related conditions (PMID: 18366090). For these reasons, this variant has been classified as Pathogenic. This variant is not present in population databases (ExAC no frequency). This sequence change affects a donor splice site in intron 18 of the COL6A3 gene. It is expected to disrupt RNA splicing and likely results in an absent or disrupted protein product. Disruption of this splice site has been observed in individual(s) with autosomal dominant type VI collagenopathy (PMID: 20976770). In at least one individual the disrupted splice site was observed to be de novo.

Literature cited by the submitters: PubMed 16199547; PubMed 21280092; PubMed 20976770; PubMed 18366090.